The following is an entry in ClinVar:

NM_199355.4(ADAMTS18):c.2919T>G (p.Ser973=)

Gene: ADAMTS18 (ADAM metallopeptidase with thrombospondin type 1 motif 18; minus strand). Cytogenetic location: 16q23.1.
Variant type: single nucleotide variant.
Coding change: c.2919T>G on transcript NM_199355.4 (MANE Select); coding-DNA position 2919, T replaced by G.
Protein change: p.Ser973=; no amino-acid change (serine 973 retained).
Molecular consequence: synonymous variant.
Genome position (GRCh38, 1-based): chr16:77,295,010, A>C on the plus strand (T>G on the coding strand, the complement: ADAMTS18 is on the minus strand). VCF-style: chr16-77295010-A-C. GRCh37 (hg19) VCF-style: chr16-77328907-A-C.
Other names: c.2919T>G (NM_199355.3); c.2403T>G, p.Ser801= (NM_001326358.2).
Identifiers: ClinVar variation 1654665 (VCV001654665.11), dbSNP rs1313869044, ClinGen allele CA496697612.

ClinVar aggregate classification (germline): Conflicting classifications of pathogenicity. Review status: criteria provided, conflicting classifications (1 of 4 stars). 3 submissions from 3 submitters: Uncertain significance (1); Likely benign (1). 1 of the submissions does not count toward it. Last evaluated 2024-10-23.

Conditions:
ADAMTS18-related disorder. Also called: ADAMTS18-related condition.

Allele frequency attached by ClinVar (database versions not stated): gnomAD exomes below 0.00001 and 0.00001; gnomAD 0.00001; TOPMed 0.00002.
gnomAD v4.1: 7 of 1,614,046 alleles (0.00043%); highest among the groups gnomAD compares: Admixed American, 0.005%; no homozygotes.

Submissions (3):

Labcorp Genetics (formerly Invitae), Labcorp
Classification: Likely benign. Last evaluated: 2024-10-23. Review status: criteria provided, single submitter. Criteria: Invitae Variant Classification Sherloc (09022015). Collection method: clinical testing. Allele origin: germline.

Blueprint Genetics
Classification: Uncertain significance. Last evaluated: 2018-12-17. Review status: criteria provided, single submitter. Criteria: ACMG Guidelines, 2015. Collection method: clinical testing. Allele origin: germline.

PreventionGenetics, part of Exact Sciences
Classification: Likely benign for ADAMTS18-related condition. Last evaluated: 2019-05-21. Review status: no assertion criteria provided. Collection method: clinical testing. Allele origin: germline. Not counted in ClinVar's aggregate classification.
Comment: This variant is classified as likely benign based on ACMG/AMP sequence variant interpretation guidelines (Richards et al. 2015 PMID: 25741868, with internal and published modifications).